The following is an entry in ClinVar:

ClinVar aggregate classification (germline): Uncertain significance (1 of 4 stars; one submission).

Conditions:
Peroxisome biogenesis disorder 11A (Zellweger). Also called: Peroxisome biogenesis disorder 11A. Identifiers: Orphanet 912, MedGen C3554000, MONDO:0013949, OMIM 614883.

Submission:

Labcorp Genetics (formerly Invitae), Labcorp
Classification: Uncertain significance for Peroxisome biogenesis disorder 11A (Zellweger). Last evaluated: 2020-11-10. Review status: criteria provided, single submitter. Criteria: Invitae Variant Classification Sherloc (09022015). Collection method: clinical testing. Allele origin: germline.
Comment: This sequence change replaces glycine with serine at codon 204 of the PEX13 protein (p.Gly204Ser). The glycine residue is weakly conserved and there is a small physicochemical difference between glycine and serine. This variant is not present in population databases (ExAC no frequency). This variant has not been reported in the literature in individuals with PEX13-related conditions. Algorithms developed to predict the effect of missense changes on protein structure and function (SIFT, PolyPhen-2, Align-GVGD) all suggest that this variant is likely to be tolerated, but these predictions have not been confirmed by published functional studies and their clinical significance is uncertain. In summary, the available evidence is currently insufficient to determine the role of this variant in disease. Therefore, it has been classified as a Variant of Uncertain Significance.

NM_002618.4(PEX13):c.610G>A (p.Gly204Ser)

Gene: PEX13 (peroxisomal biogenesis factor 13; plus strand). Cytogenetic location: 2p15.
Variant type: single nucleotide variant.
Coding change: c.610G>A on transcript NM_002618.4 (MANE Select); coding-DNA position 610, G replaced by A.
Protein change: p.Gly204Ser; replaces glycine 204 with serine.
Molecular consequence: missense variant.
Genome position (GRCh38, 1-based): chr2:61,031,936, G>A. VCF-style: chr2-61031936-G-A. GRCh37 (hg19) VCF-style: chr2-61259071-G-A.
Other names: short protein forms G204S.
Identifiers: ClinVar variation 1482906 (VCV001482906.8), dbSNP rs2104803612, ClinGen allele CA346944037.